The following is an entry in ClinVar:

NM_153676.4(USH1C):c.2340C>T (p.Val780=)

Gene: USH1C (USH1 protein network component harmonin; minus strand). Cytogenetic location: 11p15.1.
Variant type: single nucleotide variant.
Coding change: c.2340C>T on transcript NM_153676.4 (MANE Select); coding-DNA position 2340, C replaced by T.
Protein change: p.Val780=; no amino-acid change (valine 780 retained).
Molecular consequence: synonymous variant. On other transcripts: non-coding transcript variant (1).
Genome position (GRCh38, 1-based): chr11:17,501,091, G>A on the plus strand (C>T on the coding strand, the complement: USH1C is on the minus strand). VCF-style: chr11-17501091-G-A. GRCh37 (hg19) VCF-style: chr11-17522638-G-A.
Other names: p.Val780=; c.1383C>T, p.Val461= (NM_001297764.2); c.1440C>T, p.Val480= (NM_005709.4).
Identifiers: ClinVar variation 47997 (VCV000047997.26), dbSNP rs10832796, ClinGen allele CA142332.

ClinVar aggregate classification (germline): Benign. Review status: criteria provided, multiple submitters, no conflicts (2 of 4 stars). 10 submissions from 9 submitters: Benign (9). 1 of the submissions does not count toward it. Last evaluated 2026-02-04.

Conditions:
Autosomal recessive nonsyndromic hearing loss 18A. Also called: DEAFNESS, AUTOSOMAL RECESSIVE 18; Deafness, autosomal recessive 18A. Identifiers: Orphanet 90636, MedGen C1865870, MONDO:0011192, OMIM 602092.
Usher syndrome type 1C. Also called: USHER SYNDROME, TYPE I, ACADIAN VARIETY. Identifiers: Orphanet 231169, Orphanet 886, MedGen C1848604, MONDO:0010171, OMIM 276904.

Allele frequency attached by ClinVar (database versions not stated): 1000 Genomes Project 30x 0.18504; 1000 Genomes Project 0.19050; TOPMed 0.20503; gnomAD 0.21080 and 0.21328; ESP Exome Variant Server 0.21200; ExAC 0.25204; gnomAD exomes 0.25422 and 0.27501.
gnomAD v4.1: 433,699 of 1,613,060 alleles (27%); highest among the groups gnomAD compares: Middle Eastern, 33%; 61,333 homozygotes.

Submissions (10):

Labcorp Genetics (formerly Invitae), Labcorp
Classification: Benign. Last evaluated: 2026-02-04. Review status: criteria provided, single submitter. Criteria: Invitae Variant Classification Sherloc (09022015). Collection method: clinical testing. Allele origin: germline.

Genome-Nilou Lab
Classification: Benign for Usher syndrome type 1C. Last evaluated: 2021-07-10. Review status: criteria provided, single submitter. Criteria: ACMG Guidelines, 2015. Collection method: clinical testing. Allele origin: germline. Affected: no.

Genome-Nilou Lab
Classification: Benign for Autosomal recessive nonsyndromic hearing loss 18A. Last evaluated: 2021-07-10. Review status: criteria provided, single submitter. Criteria: ACMG Guidelines, 2015. Collection method: clinical testing. Allele origin: germline. Affected: no.

Mayo Clinic Laboratories, Mayo Clinic
Classification: Benign. Last evaluated: 2020-10-20. Review status: criteria provided, single submitter. Criteria: ACMG Guidelines, 2015. Collection method: clinical testing. Allele origin: germline. Observed: 84 variant alleles.

Illumina Laboratory Services, Illumina
Classification: Benign for Usher syndrome type 1C. Last evaluated: 2018-01-13. Review status: criteria provided, single submitter. Criteria: ICSL Variant Classification Criteria 13 December 2019. Collection method: clinical testing. Allele origin: germline.
Comment: This variant was observed in the ICSL laboratory as part of a predisposition screen in an ostensibly healthy population. It had not been previously curated by ICSL or reported in the Human Gene Mutation Database (HGMD: prior to June 1st, 2018), and was therefore a candidate for classification through an automated scoring system. Utilizing variant allele frequency, disease prevalence and penetrance estimates, and inheritance mode, an automated score was calculated to assess if this variant is too frequent to cause the disease. Based on the score and internal cut-off values, a variant classified as benign is not then subjected to further curation. The score for this variant resulted in a classification of benign for this disease.

GeneDx
Classification: Benign. Last evaluated: 2015-03-03. Review status: criteria provided, single submitter. Criteria: GeneDx Variant Classification Process June 2021. Collection method: clinical testing. Allele origin: germline. Affected: yes.

Laboratory for Molecular Medicine, Mass General Brigham Personalized Medicine
Classification: Benign. Last evaluated: 2009-06-24. Review status: criteria provided, single submitter. Criteria: LMM Criteria. Collection method: clinical testing. Allele origin: germline. Observed: 965 variant alleles.

Breakthrough Genomics
Classification: Benign. Review status: criteria provided, single submitter. Criteria: ACMG Guidelines, 2015. Collection method: not provided. Allele origin: germline. Inheritance: Autosomal recessive inheritance. Affected: yes.

PreventionGenetics, part of Exact Sciences
Classification: Benign. Review status: criteria provided, single submitter. Criteria: ACMG Guidelines, 2015. Collection method: clinical testing. Allele origin: germline.

Natera, Inc.
Classification: Benign for Usher syndrome type 1C. Last evaluated: 2020-09-16. Review status: no assertion criteria provided. Collection method: clinical testing. Allele origin: germline. Not counted in ClinVar's aggregate classification.